The following is an entry in ClinVar:

NM_022089.4(ATP13A2):c.1353+5G>A

Gene: ATP13A2 (ATPase cation transporting 13A2; minus strand). Cytogenetic location: 1p36.13.
Variant type: single nucleotide variant.
Coding change: c.1353+5G>A on transcript NM_022089.4 (MANE Select); 5 bases into the intron after coding-DNA position 1353, G replaced by A.
Molecular consequence: intron variant.
Genome position (GRCh38, 1-based): chr1:16,996,249, C>T on the plus strand (G>A on the coding strand, the complement: ATP13A2 is on the minus strand). VCF-style: chr1-16996249-C-T. GRCh37 (hg19) VCF-style: chr1-17322744-C-T.
Other names: c.1338+5G>A (NM_001141974.3, NM_001141973.3).
Identifiers: ClinVar variation 3032966 (VCV003032966.3), dbSNP rs747994271, ClinGen allele CA637255.
Genomic context (GRCh38, chr1:16,996,249, plus strand): 5'-AGCACCTGGCTGGTTGGCCCCTGGGCCCTGCTGGCAGCACCCCCCACCCCACCCCCAAGG[C>T]TTACCCGGTTTCGGTAGAGGATGAAGATGCTGTAGATGGTGCCGAGGAGAGCTGTGGGGA-3'

ClinVar aggregate classification (germline): Uncertain significance. Review status: criteria provided, single submitter (1 of 4 stars). 2 submissions from 2 submitters: Uncertain significance (1). 1 of the submissions does not count toward it. Last evaluated 2024-06-26.

Conditions:
ATP13A2-related disorder. Also called: ATP13A2-related condition; ATP13A2-related disorders.

Allele frequency attached by ClinVar (database versions not stated): TOPMed 0.00002; ExAC 0.00003; gnomAD 0.00003; gnomAD exomes 0.00003.
gnomAD v4.1: 52 of 1,614,058 alleles (0.0032%); highest among the groups gnomAD compares: African/African-American, 0.0053%; no homozygotes.

Submissions (2):

Blueprint Genetics
Classification: Uncertain significance. Last evaluated: 2024-06-26. Review status: criteria provided, single submitter. Criteria: ACMG Guidelines, 2015. Collection method: clinical testing. Allele origin: germline.

PreventionGenetics, part of Exact Sciences
Classification: Likely benign for ATP13A2-related condition. Last evaluated: 2023-08-22. Review status: no assertion criteria provided. Collection method: clinical testing. Allele origin: germline. Not counted in ClinVar's aggregate classification.
Comment: This variant is classified as likely benign based on ACMG/AMP sequence variant interpretation guidelines (Richards et al. 2015 PMID: 25741868, with internal and published modifications).